The following is an entry in ClinVar:

NM_133259.4(LRPPRC):c.1649+3A>G

Genes: LRPPRC (leucine rich pentatricopeptide repeat containing; minus strand), LOC129388857 (MPRA-validated peak3685 silencer; plus strand). Cytogenetic location: 2p21.
Variant type: single nucleotide variant.
Coding change: c.1649+3A>G on transcript NM_133259.4 (MANE Select); 3 bases into the intron after coding-DNA position 1649, A replaced by G.
Molecular consequence: intron variant.
Genome position (GRCh38, 1-based): chr2:43,957,382, T>C on the plus strand (A>G on the coding strand, the complement: LRPPRC is on the minus strand). VCF-style: chr2-43957382-T-C. GRCh37 (hg19) VCF-style: chr2-44184521-T-C.
Identifiers: ClinVar variation 2433528 (VCV002433528.5), dbSNP rs1159690775, ClinGen allele CA769076280.

ClinVar aggregate classification (germline): Uncertain significance. Review status: criteria provided, single submitter (1 of 4 stars). 2 submissions from 2 submitters: Uncertain significance (1). 1 of the submissions does not count toward it. Last evaluated 2019-12-05.

Conditions:
LRPPRC-related disorder. Also called: LRPPRC-related condition.
Congenital lactic acidosis, Saguenay-Lac-Saint-Jean type (MC4DN5). Also called: MITOCHONDRIAL COMPLEX IV DEFICIENCY, NUCLEAR TYPE 5; CYTOCHROME c OXIDASE DEFICIENCY, FRENCH CANADIAN TYPE; COX DEFICIENCY, FRENCH CANADIAN TYPE. Identifiers: Orphanet 70472, MedGen C1857355, MONDO:0009069, OMIM 220111.

Allele frequency attached by ClinVar (database versions not stated): TOPMed 0.00002.
gnomAD v4.1: 5 of 1,607,386 alleles (0.00031%); highest among the groups gnomAD compares: Non-Finnish European, 0.00043%; no homozygotes.

Submissions (2):

Revvity Omics, Revvity
Classification: Uncertain significance for Congenital lactic acidosis, Saguenay-Lac-Saint-Jean type. Last evaluated: 2019-12-05. Review status: criteria provided, single submitter. Criteria: ACMG Guidelines, 2015. Collection method: clinical testing. Allele origin: germline.

PreventionGenetics, part of Exact Sciences
Classification: Likely benign for LRPPRC-related condition. Last evaluated: 2022-01-04. Review status: no assertion criteria provided. Collection method: clinical testing. Allele origin: germline. Not counted in ClinVar's aggregate classification.
Comment: This variant is classified as likely benign based on ACMG/AMP sequence variant interpretation guidelines (Richards et al. 2015 PMID: 25741868, with internal and published modifications).